The following is an entry in ClinVar:

ClinVar aggregate classification (germline): Uncertain significance (1 of 4 stars; one submission).

Conditions:
Immunodeficiency 35 (IMD35). Also called: Susceptibility to infection due to TYK2 deficiency; TYK2 DEFICIENCY; HIES WITH ATYPICAL MYCOBACTERIOSIS, AUTOSOMAL RECESSIVE; HYPER-IgE SYNDROME WITH ATYPICAL MYCOBACTERIOSIS, AUTOSOMAL RECESSIVE. Identifiers: Orphanet 331226, MedGen C1969086, MONDO:0012682, OMIM 611521.

Allele frequency attached by ClinVar (database versions not stated): gnomAD 0.00001; gnomAD exomes 0.00001; TOPMed 0.00001.
gnomAD v4.1: 10 of 1,613,938 alleles (0.00062%); highest among the groups gnomAD compares: Non-Finnish European, 0.00085%; no homozygotes.

Submission:

Labcorp Genetics (formerly Invitae), Labcorp
Classification: Uncertain significance for Immunodeficiency 35. Last evaluated: 2021-10-08. Review status: criteria provided, single submitter. Criteria: Invitae Variant Classification Sherloc (09022015). Collection method: clinical testing. Allele origin: germline.
Comment: In summary, the available evidence is currently insufficient to determine the role of this variant in disease. Therefore, it has been classified as a Variant of Uncertain Significance. Algorithms developed to predict the effect of missense changes on protein structure and function are either unavailable or do not agree on the potential impact of this missense change (SIFT: "Not Available"; PolyPhen-2: "Benign"; Align-GVGD: "Not Available"). This variant has not been reported in the literature in individuals affected with TYK2-related conditions. This variant is not present in population databases (ExAC no frequency). This sequence change replaces isoleucine with valine at codon 324 of the TYK2 protein (p.Ile324Val). The isoleucine residue is highly conserved and there is a small physicochemical difference between isoleucine and valine.

NM_003331.5(TYK2):c.970A>G (p.Ile324Val)

Gene: TYK2 (tyrosine kinase 2; minus strand). Cytogenetic location: 19p13.2.
Variant type: single nucleotide variant.
Coding change: c.970A>G on transcript NM_003331.5 (MANE Select); coding-DNA position 970, A replaced by G.
Protein change: p.Ile324Val; replaces isoleucine 324 with valine.
Molecular consequence: missense variant.
Genome position (GRCh38, 1-based): chr19:10,365,558, T>C on the plus strand (A>G on the coding strand, the complement: TYK2 is on the minus strand). VCF-style: chr19-10365558-T-C. GRCh37 (hg19) VCF-style: chr19-10476234-T-C.
Other names: short protein forms I324V.
Identifiers: ClinVar variation 960633 (VCV000960633.5), dbSNP rs1443990878, ClinGen allele CA404015979.